The following is an entry in ClinVar:

ClinVar aggregate classification (germline): Likely pathogenic (1 of 4 stars; one submission).

Conditions:
Juvenile retinoschisis (RS1). Also called: X-linked retinoschisis; X-Linked Juvenile Retinoschisis. Identifiers: Orphanet 792, MedGen C3714753, MONDO:0010725, OMIM 312700.

Submission:

Equipe Genetique des Anomalies du Developpement, Université de Bourgogne
Classification: Likely pathogenic for Juvenile retinoschisis. Last evaluated: 2025-01-16. Review status: criteria provided, single submitter. Criteria: ACMG Guidelines, 2015. Collection method: clinical testing. Allele origin: maternal. Affected: yes.
Comment: This hemizygous missense variant is present in the RS1 gene. The amino acid that is implicated is 100% conserved in vertebrates. In silico prediction scores are in favour of a deleterious effect. This variant is absent from gnomAD (v4.1.0). While this variant has not been previously reported, it is close to other variants that have been reported as pathogenic in Decipher. Pathogenic hemizygous variants in this gene are responsible for an X-linked recessive form of retinoschisis (OMIM # 312700). According to the available evidence, this variant is considered to be likely pathogenic.

NM_000330.4(RS1):c.206T>G (p.Leu69Arg)

Genes: CDKL5 (cyclin dependent kinase like 5; plus strand), RS1 (retinoschisin 1; minus strand). Cytogenetic location: Xp22.13.
Variant type: single nucleotide variant.
Coding change: c.206T>G on transcript NM_000330.4 (MANE Select); coding-DNA position 206, T replaced by G.
Protein change: p.Leu69Arg; replaces leucine 69 with arginine.
Molecular consequence: missense variant. On other transcripts: intron variant (2).
Genome position (GRCh38, 1-based): chrX:18,647,311, A>C on the plus strand (T>G on the coding strand, the complement: RS1 is on the minus strand). VCF-style: chrX-18647311-A-C. GRCh37 (hg19) VCF-style: chrX-18665431-A-C.
Other names: c.2797+1221A>C (NM_003159.3, NM_001037343.2); short protein forms L69R.
Identifiers: ClinVar variation 3893183 (VCV003893183.1).